The following is an entry in ClinVar:

NM_001374736.1(DST):c.16772T>C (p.Val5591Ala)

Gene: DST (dystonin; minus strand). Cytogenetic location: 6p12.1.
Variant type: single nucleotide variant.
Coding change: c.16772T>C on transcript NM_001374736.1 (MANE Select); coding-DNA position 16772, T replaced by C.
Protein change: p.Val5591Ala; replaces valine 5591 with alanine.
Molecular consequence: missense variant.
Genome position (GRCh38, 1-based): chr6:56,535,291, A>G on the plus strand (T>C on the coding strand, the complement: DST is on the minus strand). VCF-style: chr6-56535291-A-G. GRCh37 (hg19) VCF-style: chr6-56400089-A-G.
Other names: c.10415T>C, p.Val3472Ala (NM_001144769.5); c.10001T>C, p.Val3334Ala (NM_001144770.2); c.16772T>C, p.Val5591Ala (NM_001374722.1); c.16139T>C, p.Val5380Ala (NM_001374729.1); c.9881T>C, p.Val3294Ala (NM_001374730.1, NM_001386100.1, NM_183380.4); c.16799T>C, p.Val5600Ala (NM_001374734.1); c.8903T>C, p.Val2968Ala (NM_015548.5); short protein forms V3334A, V5600A, V2968A, V3472A, V5591A, V3294A, V5380A.
Identifiers: ClinVar variation 1407703 (VCV001407703.8), dbSNP rs201698009, ClinGen allele CA3867585.
Genomic context (GRCh38, chr6:56,535,291, plus strand): 5'-GCATCCTGGAACCTCCCACAGTGCAGCAAGGCCTCCTGCAGCTGGGCTGCTCGCTGAGCC[A>G]CCTGCAAAGTGCCAATTGTTTCCACTTATTTATTTGTTTCACAAAATAATGCAATCTGAG-3'
Protein context (NP_001361665.1, residues 5581-5601): NARWKTLNKK[Val5591Ala]AQRAAQLQEA

ClinVar aggregate classification (germline): Uncertain significance (1 of 4 stars; one submission).

Conditions:
Hereditary sensory and autonomic neuropathy type 6. Also called: Neuropathy, hereditary sensory and autonomic, type VI; HSAN VI. Identifiers: Orphanet 314381, MedGen C3539003, MONDO:0013839, OMIM 614653.
Epidermolysis bullosa simplex 3, localized or generalized intermediate, with BP230 deficiency (EBS3). Also called: Epidermolysis bullosa simplex, autosomal recessive 2; Epidermolysis bullosa simplex due to BP230 deficiency. Identifiers: Orphanet 412181, MedGen C3809470, MONDO:0014180, OMIM 615425.

Allele frequency attached by ClinVar (database versions not stated): gnomAD exomes below 0.00001 and 0.00001; gnomAD 0.00001 and 0.00002; ExAC 0.00002; TOPMed 0.00004; 1000 Genomes Project 30x 0.00016; 1000 Genomes Project 0.00020.
gnomAD v4.1: 5 of 1,565,970 alleles (0.00032%); highest among the groups gnomAD compares: African/African-American, 0.007%; no homozygotes.

Submission:

Labcorp Genetics (formerly Invitae), Labcorp
Classification: Uncertain significance for Epidermolysis bullosa simplex 3, localized or generalized intermediate, with BP230 deficiency; Hereditary sensory and autonomic neuropathy type 6. Last evaluated: 2021-11-08. Review status: criteria provided, single submitter. Criteria: Invitae Variant Classification Sherloc (09022015). Collection method: clinical testing. Allele origin: germline.
Comment: Experimental studies and prediction algorithms are not available or were not evaluated, and the functional significance of this variant is currently unknown. This variant has not been reported in the literature in individuals affected with DST-related conditions. This variant is present in population databases (rs201698009, gnomAD 0.02%). This sequence change replaces valine, which is neutral and non-polar, with alanine, which is neutral and non-polar, at codon 2968 of the DST protein (p.Val2968Ala). The DST gene has multiple clinically relevant transcripts. This variant occurs in alternate transcript NM_015548.4, and corresponds to NM_001723.5:c.*80226T>C in the primary transcript. In summary, the available evidence is currently insufficient to determine the role of this variant in disease. Therefore, it has been classified as a Variant of Uncertain Significance.